The following is an entry in ClinVar:

ClinVar aggregate classification (germline): Uncertain significance (1 of 4 stars; one submission).

Allele frequency attached by ClinVar (database versions not stated): gnomAD exomes below 0.00001; gnomAD 0.00002.

Submission:

Institute for Clinical Genetics, University Hospital TU Dresden, University Hospital TU Dresden
Classification: Uncertain significance. Last evaluated: 2022-11-01. Review status: criteria provided, single submitter. Criteria: ACMG Guidelines, 2015. Collection method: clinical testing. Allele origin: germline.
Comment: PM2_SUP, PVS1_SUP

NM_003998.4(NFKB1):c.1A>G (p.Met1Val)

Gene: NFKB1 (nuclear factor kappa B subunit 1; plus strand). Cytogenetic location: 4q24.
Variant type: single nucleotide variant.
Coding change: c.1A>G on transcript NM_003998.4 (MANE Select); coding-DNA position 1, A replaced by G.
Protein change: p.Met1Val; changes the start codon (methionine 1).
Molecular consequence: missense variant, initiator codon variant. On other transcripts: intron variant (1).
Genome position (GRCh38, 1-based): chr4:102,525,519, A>G. VCF-style: chr4-102525519-A-G. GRCh37 (hg19) VCF-style: chr4-103446676-A-G.
Other names: c.1A>G, p.Met1Val (NM_001165412.2, NM_001319226.2, NM_001382625.1 and 2 more transcripts); c.1-4317A>G (NM_001382628.1); short protein forms M1V.
Identifiers: ClinVar variation 2576041 (VCV002576041.2), dbSNP rs1223203083, ClinGen allele CA357957196.